The following is an entry in ClinVar:

ClinVar aggregate classification (germline): Uncertain significance (1 of 4 stars; one submission).

Conditions:
Nephronophthisis. Also called: Juvenile Nephronophthisis. Identifiers: Orphanet 655, MedGen C0687120, MONDO:0019005, HP:0000090.
Jeune thoracic dystrophy. Also called: Jeune syndrome; Infantile thoracic dystrophy; Thoracic pelvic phalangeal dystrophy; Jeune's syndrome; Chondroectodermal dysplasia-like syndrome; Short-rib thoracic dysplasia. Identifiers: Orphanet 474, MedGen C0265275, MONDO:0018770.

Allele frequency attached by ClinVar (database versions not stated): gnomAD exomes below 0.00001 and 0.00001; ExAC 0.00001; gnomAD 0.00002; TOPMed 0.00002; ESP Exome Variant Server 0.00008.
gnomAD v4.1: 8 of 1,613,834 alleles (0.0005%); highest among the groups gnomAD compares: Non-Finnish European, 0.00068%; no homozygotes.

Submission:

Labcorp Genetics (formerly Invitae), Labcorp
Classification: Uncertain significance for Jeune thoracic dystrophy; Nephronophthisis. Last evaluated: 2022-05-14. Review status: criteria provided, single submitter. Criteria: Invitae Variant Classification Sherloc (09022015). Collection method: clinical testing. Allele origin: germline.
Comment: This sequence change replaces lysine, which is basic and polar, with glutamic acid, which is acidic and polar, at codon 1136 of the TTC21B protein (p.Lys1136Glu). This variant is present in population databases (rs371863532, gnomAD 0.002%). This variant has not been reported in the literature in individuals affected with TTC21B-related conditions. Algorithms developed to predict the effect of missense changes on protein structure and function are either unavailable or do not agree on the potential impact of this missense change (SIFT: "Deleterious"; PolyPhen-2: "Probably Damaging"; Align-GVGD: "Class C0"). In summary, the available evidence is currently insufficient to determine the role of this variant in disease. Therefore, it has been classified as a Variant of Uncertain Significance.

NM_024753.5(TTC21B):c.3406A>G (p.Lys1136Glu)

Gene: TTC21B (tetratricopeptide repeat domain 21B; minus strand). Cytogenetic location: 2q24.3.
Variant type: single nucleotide variant.
Coding change: c.3406A>G on transcript NM_024753.5 (MANE Select); coding-DNA position 3406, A replaced by G.
Protein change: p.Lys1136Glu; replaces lysine 1136 with glutamic acid.
Molecular consequence: missense variant.
Genome position (GRCh38, 1-based): chr2:165,888,332, T>C on the plus strand (A>G on the coding strand, the complement: TTC21B is on the minus strand). VCF-style: chr2-165888332-T-C. GRCh37 (hg19) VCF-style: chr2-166744842-T-C.
Other names: short protein forms K1136E.
Identifiers: ClinVar variation 1525469 (VCV001525469.3), dbSNP rs371863532, ClinGen allele CA1941518.
Genomic context (GRCh38, chr2:165,888,332, plus strand): 5'-CACTAACCTCAGATGCTGCTATTTCAGTGAAGGTATTTAATGCTTGTTCAACATTAGATT[T>C]CTGTTTGGTAGCCATTAAGCAATAGTTTTCCATTATGCGAAGCTGTACGTGACCCTGAAC-3'
Protein context (NP_079029.3, residues 1126-1146): ENYCLMATKQ[Lys1136Glu]SNVEQALNTF